The following is an entry in ClinVar:

ClinVar aggregate classification (germline): Likely pathogenic (1 of 4 stars; one submission).

Conditions:
Dilated cardiomyopathy 1G (CMD1G). Identifiers: Orphanet 154, MedGen C1858763, MONDO:0011400, OMIM 604145.
Autosomal recessive limb-girdle muscular dystrophy type 2J (LGMDR10). Also called: Limb-girdle muscular dystrophy, type 2J; MUSCULAR DYSTROPHY, LIMB-GIRDLE, AUTOSOMAL RECESSIVE 10. Identifiers: Orphanet 140922, MedGen C1837342, MONDO:0012127, OMIM 608807.

Submission:

Labcorp Genetics (formerly Invitae), Labcorp
Classification: Likely pathogenic for Dilated cardiomyopathy 1G; Autosomal recessive limb-girdle muscular dystrophy type 2J. Last evaluated: 2025-01-08. Review status: criteria provided, single submitter. Criteria: Invitae Variant Classification Sherloc (09022015). Collection method: clinical testing. Allele origin: germline.
Comment: This sequence change creates a premature translational stop signal (p.Ser17272Leufs*11) in the TTN gene. While this is not anticipated to result in nonsense mediated decay, it is expected to create a truncated TTN protein. This variant is not present in population databases (gnomAD no frequency). This variant has not been reported in the literature in individuals affected with TTN-related conditions. Algorithms developed to predict the effect of sequence changes on RNA splicing suggest that this variant may disrupt the consensus splice site. This variant is located in the A band of TTN (PMID: 25589632). Truncating variants in this region are significantly overrepresented in patients affected with dilated cardiomyopathy (PMID: 25589632). Truncating variants in this region have also been reported in individuals affected with autosomal recessive centronuclear myopathy (PMID: 23975875). In summary, the currently available evidence indicates that the variant is pathogenic, but additional data are needed to prove that conclusively. Therefore, this variant has been classified as Likely Pathogenic.

Literature cited by the submitters: PubMed 25589632; PubMed 23975875.

NM_001267550.2(TTN):c.51814del (p.Ser17272fs)

Genes: TTN (titin; minus strand), TTN-AS1 (TTN antisense RNA 1; plus strand). Cytogenetic location: 2q31.2.
Variant type: Deletion.
Coding change: c.51814del on transcript NM_001267550.2 (MANE Select); coding-DNA position 51814, one base deleted (T; older notation c.51814delT).
Protein change: p.Ser17272fs; shifts the reading frame from serine 17272.
Molecular consequence: frameshift variant.
Genome position (GRCh38, 1-based): chr2:178,609,496, A deleted on the plus strand (T on the coding strand, the reverse complement: TTN is on the minus strand); the first of 3 consecutive A bases (chr2:178,609,496-178,609,498); deleting any one gives the same sequence. VCF-style (leftmost placement, unchanged base first): chr2-178609495-GA-G. GRCh37 (hg19) VCF-style: chr2-179474222-GA-G.
Other names: c.46891del, p.Ser15631fs (NM_001256850.1); c.24619del, p.Ser8207fs (NM_003319.4); c.44110del, p.Ser14704fs (NM_133378.4); c.24994del, p.Ser8332fs (NM_133432.3); c.25195del, p.Ser8399fs (NM_133437.4); short protein forms S14704fs, S15631fs, S17272fs, S8207fs, S8332fs, S8399fs.
Identifiers: ClinVar variation 3759870 (VCV003759870.2).